The following is an entry in ClinVar:

ClinVar aggregate classification (germline): Conflicting classifications of pathogenicity. Review status: criteria provided, conflicting classifications (1 of 4 stars). 4 submissions from 4 submitters: Likely pathogenic (1); Uncertain significance (2). 1 of the submissions does not count toward it. Last evaluated 2025-01-08.

Conditions:
Permanent neonatal diabetes mellitus (PNDM). Identifiers: Orphanet 99885, MedGen C1833104, MONDO:0100164, MONDO:0011643. Disease mechanism: gain of function.
Hyperinsulinemic hypoglycemia, familial, 1 (HHF1). Also called: Persistent hyperinsulinemic hypoglycemia of infancy; HYPERINSULINISM, FAMILIAL, WITH PANCREATIC NESIDIOBLASTOSIS; HYPOGLYCEMIA, HYPERINSULINEMIC, OF INFANCY; NESIDIOBLASTOSIS OF PANCREAS; Persistent Hyperinsulinemia Hypoglycemia of Infancy. Identifiers: Orphanet 276575, Orphanet 276598, MedGen C2931832, MONDO:0009734, OMIM 256450.

Allele frequency attached by ClinVar (database versions not stated): ExAC 0.00003; gnomAD 0.00003 and 0.00004; gnomAD exomes 0.00003; TOPMed 0.00003.
gnomAD v4.1: 54 of 1,614,056 alleles (0.0033%); highest among the groups gnomAD compares: Non-Finnish European, 0.0046%; no homozygotes.

Submissions (4):

Labcorp Genetics (formerly Invitae), Labcorp
Classification: Uncertain significance. Last evaluated: 2025-01-08. Review status: criteria provided, single submitter. Criteria: Invitae Variant Classification Sherloc (09022015). Collection method: clinical testing. Allele origin: germline.
Comment: This sequence change replaces lysine, which is basic and polar, with asparagine, which is neutral and polar, at codon 1336 of the ABCC8 protein (p.Lys1336Asn). This variant is present in population databases (rs67767715, gnomAD 0.007%). This missense change has been observed in individual(s) with diffuse congenital hyperinsulinism and neonatal diabetes mellitus (PMID: 15562009, 32041611). In at least one individual the data is consistent with being in trans (on the opposite chromosome) from a pathogenic variant. This variant is also known as Lys1337Asn. ClinVar contains an entry for this variant (Variation ID: 551087). Invitae Evidence Modeling of protein sequence and biophysical properties (such as structural, functional, and spatial information, amino acid conservation, physicochemical variation, residue mobility, and thermodynamic stability) indicates that this missense variant is not expected to disrupt ABCC8 protein function with a negative predictive value of 95%. Experimental studies have shown that this missense change does not substantially affect ABCC8 function (PMID: 17575084). Algorithms developed to predict the effect of sequence changes on RNA splicing suggest that this variant may create or strengthen a splice site. In summary, the available evidence is currently insufficient to determine the role of this variant in disease. Therefore, it has been classified as a Variant of Uncertain Significance.

Genetic Services Laboratory, University of Chicago
Classification: Likely pathogenic. Last evaluated: 2017-09-08. Review status: criteria provided, single submitter. Criteria: ACMG Guidelines, 2015. Collection method: clinical testing. Allele origin: germline. Affected: yes.

Illumina Laboratory Services, Illumina
Classification: Uncertain significance for Permanent neonatal diabetes mellitus 1. Last evaluated: 2017-04-27. Review status: criteria provided, single submitter. Criteria: ICSL Variant Classification Criteria 13 December 2019. Collection method: clinical testing. Allele origin: germline.

Counsyl
Classification: Uncertain significance for Hyperinsulinemic hypoglycemia, familial, 1. Last evaluated: 2017-03-10. Review status: no assertion criteria provided. Collection method: clinical testing. Allele origin: unknown. Not counted in ClinVar's aggregate classification.

Literature cited by the submitters: PubMed 15562009 (cited by Labcorp Genetics (formerly Invitae), Labcorp and Counsyl); PubMed 32041611 (cited by Labcorp Genetics (formerly Invitae), Labcorp); PubMed 17575084 (cited by Labcorp Genetics (formerly Invitae), Labcorp and Counsyl); PubMed 23275527 (cited by Counsyl).

NM_000352.6(ABCC8):c.4008G>C (p.Lys1336Asn)

Gene: ABCC8 (ATP binding cassette subfamily C member 8; minus strand). Cytogenetic location: 11p15.1.
Variant type: single nucleotide variant.
Coding change: c.4008G>C on transcript NM_000352.6 (MANE Select); coding-DNA position 4008, G replaced by C.
Protein change: p.Lys1336Asn; replaces lysine 1336 with asparagine.
Molecular consequence: missense variant. On other transcripts: non-coding transcript variant (1).
Genome position (GRCh38, 1-based): chr11:17,397,027, C>G on the plus strand (G>C on the coding strand, the complement: ABCC8 is on the minus strand). VCF-style: chr11-17397027-C-G. GRCh37 (hg19) VCF-style: chr11-17418574-C-G.
Other names: c.4011G>C, p.Lys1337Asn (NM_001287174.3); c.4074G>C, p.Lys1358Asn (NM_001351295.2); c.4008G>C, p.Lys1336Asn (NM_001351296.2); c.4005G>C, p.Lys1335Asn (NM_001351297.2); short protein forms K1337N, K1336N, K1335N, K1358N.
Identifiers: ClinVar variation 551087 (VCV000551087.12), dbSNP rs67767715, ClinGen allele CA5902598.